The following is an entry in ClinVar:

ClinVar aggregate classification (germline): Uncertain significance (1 of 4 stars; one submission).

Allele frequency attached by ClinVar (database versions not stated): gnomAD exomes below 0.00001; TOPMed below 0.00001; ExAC 0.00001; gnomAD 0.00001.
gnomAD v4.1: 2 of 1,610,248 alleles (0.00012%); highest among the groups gnomAD compares: Middle Eastern, 0.017%; no homozygotes.

Submission:

Labcorp Genetics (formerly Invitae), Labcorp
Classification: Uncertain significance. Last evaluated: 2021-09-04. Review status: criteria provided, single submitter. Criteria: Invitae Variant Classification Sherloc (09022015). Collection method: clinical testing. Allele origin: germline.
Comment: This sequence change replaces histidine with glutamine at codon 212 of the CREB3L1 protein (p.His212Gln). The histidine residue is highly conserved and there is a small physicochemical difference between histidine and glutamine. This variant is present in population databases (rs751767246, ExAC 0.01%). This variant has not been reported in the literature in individuals affected with CREB3L1-related conditions. Algorithms developed to predict the effect of missense changes on protein structure and function (SIFT, PolyPhen-2, Align-GVGD) all suggest that this variant is likely to be tolerated. In summary, the available evidence is currently insufficient to determine the role of this variant in disease. Therefore, it has been classified as a Variant of Uncertain Significance.

NM_052854.4(CREB3L1):c.636T>A (p.His212Gln)

Gene: CREB3L1 (cAMP responsive element binding protein 3 like 1; plus strand). Cytogenetic location: 11p11.2.
Variant type: single nucleotide variant.
Coding change: c.636T>A on transcript NM_052854.4 (MANE Select); coding-DNA position 636, T replaced by A.
Protein change: p.His212Gln; replaces histidine 212 with glutamine.
Molecular consequence: missense variant.
Genome position (GRCh38, 1-based): chr11:46,311,072, T>A. VCF-style: chr11-46311072-T-A. GRCh37 (hg19) VCF-style: chr11-46332623-T-A.
Other names: short protein forms H212Q.
Identifiers: ClinVar variation 1495025 (VCV001495025.1), dbSNP rs751767246, ClinGen allele CA5961649.